The following is an entry in ClinVar:

ClinVar aggregate classification (germline): Uncertain significance (1 of 4 stars; one submission).

Allele frequency attached by ClinVar (database versions not stated): gnomAD 0.00001; gnomAD exomes 0.00001 and 0.00003; ExAC 0.00004; 1000 Genomes Project 30x 0.00016; 1000 Genomes Project 0.00020.
gnomAD v4.1: 18 of 1,613,808 alleles (0.0011%); highest among the groups gnomAD compares: South Asian, 0.02%; no homozygotes.

Submission:

Labcorp Genetics (formerly Invitae), Labcorp
Classification: Uncertain significance. Last evaluated: 2021-07-26. Review status: criteria provided, single submitter. Criteria: Invitae Variant Classification Sherloc (09022015). Collection method: clinical testing. Allele origin: germline.
Comment: This variant is present in population databases (rs541165691, ExAC 0.03%). Advanced modeling of protein sequence and biophysical properties (such as structural, functional, and spatial information, amino acid conservation, physicochemical variation, residue mobility, and thermodynamic stability) performed at Invitae indicates that this missense variant is not expected to disrupt LRP5 protein function. This variant has not been reported in the literature in individuals affected with LRP5-related conditions. This sequence change replaces leucine with valine at codon 696 of the LRP5 protein (p.Leu696Val). The leucine residue is highly conserved and there is a small physicochemical difference between leucine and valine. In summary, the available evidence is currently insufficient to determine the role of this variant in disease. Therefore, it has been classified as a Variant of Uncertain Significance.

NM_002335.4(LRP5):c.2086C>G (p.Leu696Val)

Gene: LRP5 (LDL receptor related protein 5; plus strand). Cytogenetic location: 11q13.2.
Variant type: single nucleotide variant.
Coding change: c.2086C>G on transcript NM_002335.4 (MANE Select); coding-DNA position 2086, C replaced by G.
Protein change: p.Leu696Val; replaces leucine 696 with valine.
Molecular consequence: missense variant.
Genome position (GRCh38, 1-based): chr11:68,406,808, C>G. VCF-style: chr11-68406808-C-G. GRCh37 (hg19) VCF-style: chr11-68174276-C-G.
Other names: c.343C>G, p.Leu115Val (NM_001291902.2); short protein forms L696V, L115V.
Identifiers: ClinVar variation 1368230 (VCV001368230.8), dbSNP rs541165691, ClinGen allele CA6149520.